The following is an entry in ClinVar:

NM_000038.6(APC):c.2711G>A (p.Arg904Lys)

Gene: APC (APC regulator of Wnt signaling pathway; plus strand). Cytogenetic location: 5q22.2.
Variant type: single nucleotide variant.
Coding change: c.2711G>A on transcript NM_000038.6 (MANE Select); coding-DNA position 2711, G replaced by A.
Protein change: p.Arg904Lys; replaces arginine 904 with lysine.
Molecular consequence: missense variant. On other transcripts: non-coding transcript variant (2).
Genome position (GRCh38, 1-based): chr5:112,838,305, G>A. VCF-style: chr5-112838305-G-A. GRCh37 (hg19) VCF-style: chr5-112174002-G-A.
Other names: c.2711G>A, p.Arg904Lys (NM_001127510.3, NM_001354895.2, NM_001407450.1); c.2657G>A, p.Arg886Lys (NM_001127511.3); c.2765G>A, p.Arg922Lys (NM_001354896.2, NM_001407447.1, NM_001407448.1 and 1 more transcripts); c.2741G>A, p.Arg914Lys (NM_001354897.2); c.2636G>A, p.Arg879Lys (NM_001354898.2); c.2627G>A, p.Arg876Lys (NM_001354899.2); c.2588G>A, p.Arg863Lys (NM_001354900.2); c.2534G>A, p.Arg845Lys (NM_001354901.2, NM_001407453.1); and 11 more; short protein forms R520K, R621K, R744K, R775K, R778K, R803K, R813K, R821K.
Identifiers: ClinVar variation 4757787 (VCV004757787.1).

ClinVar aggregate classification (germline): Uncertain significance (1 of 4 stars; one submission).

Conditions:
Hereditary cancer-predisposing syndrome. Also called: Tumor predisposition; Hereditary Cancer Syndrome; Neoplastic Syndromes, Hereditary; Hereditary neoplastic syndrome. Identifiers: Orphanet 140162, MedGen C0027672, MeSH D009386, MONDO:0015356.

Submission:

Color Diagnostics, LLC DBA Color Health
Classification: Uncertain significance for Hereditary cancer-predisposing syndrome. Last evaluated: 2025-08-30. Review status: criteria provided, single submitter. Criteria: ACMG Guidelines, 2015. Collection method: clinical testing. Allele origin: germline.
Comment: This missense variant replaces arginine with lysine at codon 904 of the APC protein. Computational prediction suggests that this variant may not impact protein structure and function. To our knowledge, functional studies have not been reported for this variant. This variant has not been reported in individuals affected with APC-related disorders in the literature. This variant has not been identified in the general population by the Genome Aggregation Database (gnomAD). The available evidence is insufficient to determine the role of this variant in disease conclusively. Therefore, this variant is classified as a Variant of Uncertain Significance.